The following is an entry in ClinVar:

ClinVar aggregate classification (germline): Uncertain significance (1 of 4 stars; one submission).

Submission:

Labcorp Genetics (formerly Invitae), Labcorp
Classification: Uncertain significance. Last evaluated: 2022-07-06. Review status: criteria provided, single submitter. Criteria: Invitae Variant Classification Sherloc (09022015). Collection method: clinical testing. Allele origin: germline.
Comment: This sequence change replaces asparagine, which is neutral and polar, with aspartic acid, which is acidic and polar, at codon 782 of the FBN3 protein (p.Asn782Asp). This variant is not present in population databases (gnomAD no frequency). This variant has not been reported in the literature in individuals affected with FBN3-related conditions. Algorithms developed to predict the effect of missense changes on protein structure and function are either unavailable or do not agree on the potential impact of this missense change (SIFT: "Not Available"; PolyPhen-2: "Possibly Damaging"; Align-GVGD: "Not Available"). In summary, the available evidence is currently insufficient to determine the role of this variant in disease. Therefore, it has been classified as a Variant of Uncertain Significance.

NM_032447.5(FBN3):c.2344A>G (p.Asn782Asp)

Gene: FBN3 (fibrillin 3; minus strand). Cytogenetic location: 19p13.2.
Variant type: single nucleotide variant.
Coding change: c.2344A>G on transcript NM_032447.5 (MANE Select); coding-DNA position 2344, A replaced by G.
Protein change: p.Asn782Asp; replaces asparagine 782 with aspartic acid.
Molecular consequence: missense variant.
Genome position (GRCh38, 1-based): chr19:8,126,785, T>C on the plus strand (A>G on the coding strand, the complement: FBN3 is on the minus strand). VCF-style: chr19-8126785-T-C. GRCh37 (hg19) VCF-style: chr19-8191669-T-C.
Other names: c.2344A>G, p.Asn782Asp (NM_001321431.2); short protein forms N782D.
Identifiers: ClinVar variation 2112377 (VCV002112377.4), dbSNP rs2512894449, ClinGen allele CA403698998.
Genomic context (GRCh38, chr19:8,126,785, plus strand): 5'-TACCAGAGGGGTCCAGCCGGCTGCCAGGGCCACATTTGCAGGTGTAGGAGCCGGCCAGGT[T>C]CCGACAGACGCCACTCACACACGGGCTGGACAGGCATTCGTCGACATCTGTGGGGACAGC-3'
Protein context (NP_115823.3, residues 772-792): SSPCVSGVCR[Asn782Asp]LAGSYTCKCG